The following is an entry in ClinVar:

ClinVar aggregate classification (germline): Conflicting classifications of pathogenicity. Review status: criteria provided, conflicting classifications (1 of 4 stars). 2 submissions from 2 submitters: Uncertain significance (1); Likely benign (1). Last evaluated 2025-10-19.

Conditions:
Myofibrillar myopathy 4. Also called: Zaspopathy (type). Identifiers: Orphanet 98912, MedGen C4721886, MONDO:0012277, OMIM 609452.

Allele frequency attached by ClinVar (database versions not stated): gnomAD 0.00001; TOPMed 0.00002; gnomAD exomes 0.00005; ExAC 0.00014.
gnomAD v4.1: 34 of 1,613,248 alleles (0.0021%); highest among the groups gnomAD compares: Non-Finnish European, 0.0025%; no homozygotes.

Submissions (2):

Labcorp Genetics (formerly Invitae), Labcorp
Classification: Uncertain significance for Myofibrillar myopathy 4. Last evaluated: 2025-10-19. Review status: criteria provided, single submitter. Criteria: Invitae Variant Classification Sherloc (09022015). Collection method: clinical testing. Allele origin: germline.
Comment: The LDB3 gene has multiple clinically relevant transcripts. This variant occurs in alternate transcript NM_007078.3, and corresponds to NM_001080116.1:c.*18572C>T in the primary transcript. This sequence change falls in intron 10 of the LDB3 gene. It does not directly change the encoded amino acid sequence of the LDB3 protein. This variant is present in population databases (rs771022421, gnomAD 0.02%). This variant has not been reported in the literature in individuals affected with LDB3-related conditions. Experimental studies and prediction algorithms are not available or were not evaluated, and the effect of this variant on mRNA splicing is currently unknown. In summary, the available evidence is currently insufficient to determine the role of this variant in disease. Therefore, it has been classified as a Variant of Uncertain Significance.

Blueprint Genetics
Classification: Likely benign. Last evaluated: 2021-04-21. Review status: criteria provided, single submitter. Criteria: ACMG Guidelines, 2015. Collection method: clinical testing. Allele origin: germline.

NM_007078.3(LDB3):c.1677-18C>T

Gene: LDB3 (LIM domain binding 3; plus strand). Cytogenetic location: 10q23.2.
Variant type: single nucleotide variant.
Coding change: c.1677-18C>T on transcript NM_007078.3 (MANE Select); 18 bases into the intron before coding-DNA position 1677, C replaced by T.
Molecular consequence: intron variant.
Genome position (GRCh38, 1-based): chr10:86,717,946, C>T. VCF-style: chr10-86717946-C-T. GRCh37 (hg19) VCF-style: chr10-88477703-C-T.
Other names: c.1488-18C>T (NM_001368064.1, NM_001368065.1); c.1692-18C>T (NM_001171610.2); c.1536-18C>T (NM_001368066.1); c.1347-18C>T (NM_001080114.2).
Identifiers: ClinVar variation 2047793 (VCV002047793.5), dbSNP rs771022421, ClinGen allele CA5585213.